The following is an entry in ClinVar:

ClinVar aggregate classification (germline): Uncertain significance. Review status: criteria provided, multiple submitters, no conflicts (2 of 4 stars). 2 submissions from 2 submitters: Uncertain significance (2). Last evaluated 2025-08-20.

Conditions:
Cardiovascular phenotype. Identifiers: MedGen CN230736.

Allele frequency attached by ClinVar (database versions not stated): gnomAD exomes 0.00001.
gnomAD v4.1: 12 of 1,601,430 alleles (0.00075%); highest among the groups gnomAD compares: East Asian, 0.0022%; no homozygotes.

Submissions (2):

Ambry Genetics
Classification: Uncertain significance for Cardiovascular phenotype. Last evaluated: 2025-08-20. Review status: criteria provided, single submitter. Criteria: Ambry Variant Classification Scheme 2023. Collection method: clinical testing. Allele origin: germline.

Mayo Clinic Laboratories, Mayo Clinic
Classification: Uncertain significance. Last evaluated: 2025-05-08. Review status: criteria provided, single submitter. Criteria: ACMG Guidelines, 2015. Collection method: clinical testing. Allele origin: germline. Observed: 1 variant allele.
Comment: BP4, PM2_supporting

NM_001365276.2(TNXB):c.4397C>T (p.Pro1466Leu)

Gene: TNXB (tenascin XB; minus strand). Cytogenetic location: 6p21.33.
Variant type: single nucleotide variant.
Coding change: c.4397C>T on transcript NM_001365276.2 (MANE Select); coding-DNA position 4397, C replaced by T.
Protein change: p.Pro1466Leu; replaces proline 1466 with leucine.
Molecular consequence: missense variant.
Genome position (GRCh38, 1-based): chr6:32,073,931, G>A on the plus strand (C>T on the coding strand, the complement: TNXB is on the minus strand). VCF-style: chr6-32073931-G-A. GRCh37 (hg19) VCF-style: chr6-32041708-G-A.
Other names: p.Pro1466Leu; c.4397C>T, p.Pro1466Leu (NM_019105.8); short protein forms P1466L.
Identifiers: ClinVar variation 1740261 (VCV001740261.5), dbSNP rs1384747619, ClinGen allele CA363425593.
Genomic context (GRCh38, chr6:32,073,931, plus strand): 5'-GTCACATCTGTCACTGTCAGCTCTCCTAGGCGTGGCTCCAGCGGGGACTCAGTGGCTGGA[G>A]GGGTCTCTTCTTGTTGTGGGGCTGGGACAGAGATGGTAGGGGGCTGTTAGTAAAGAATCC-3'
Protein context (NP_001352205.1, residues 1456-1476): GVTAPQQEET[Pro1466Leu]PATESPLEPR